The following is an entry in ClinVar:

NM_001256447.2(BCAP31):c.-44-357C>T

Gene: BCAP31 (B cell receptor associated protein 31; minus strand). Cytogenetic location: Xq28.
Variant type: single nucleotide variant.
Coding change: c.-44-357C>T on transcript NM_001256447.2 (MANE Select); 357 bases into the intron before 44 bases upstream of the start codon, C replaced by T.
Molecular consequence: intron variant. On other transcripts: missense variant (1).
Genome position (GRCh38, 1-based): chrX:153,723,645, G>A on the plus strand (C>T on the coding strand, the complement: BCAP31 is on the minus strand). VCF-style: chrX-153723645-G-A. GRCh37 (hg19) VCF-style: chrX-152989100-G-A.
Other names: c.20C>T, p.Ser7Phe (NM_001139457.2); c.-44-357C>T (NM_005745.8, NM_001139441.1); short protein forms S7F.
Identifiers: ClinVar variation 2661711 (VCV002661711.24), dbSNP rs781848286, ClinGen allele CA10549878.

ClinVar aggregate classification (germline): Likely benign (1 of 4 stars; one submission).

Allele frequency attached by ClinVar (database versions not stated): TOPMed 0.00003; gnomAD 0.00004; ExAC 0.00015.
gnomAD v4.1: 42 of 1,162,841 alleles (0.0036%); highest among the groups gnomAD compares: Non-Finnish European, 0.0046%; no homozygotes.

Submission:

CeGaT Center for Human Genetics Tuebingen
Classification: Likely benign. Last evaluated: 2023-11-01. Review status: criteria provided, single submitter. Criteria: CeGaT Center For Human Genetics Tuebingen Variant Classification Criteria Version 2. Collection method: clinical testing. Allele origin: germline. Affected: yes. Observed: 2 variant alleles.
Comment: BCAP31: BP4